The following is an entry in ClinVar:

ClinVar aggregate classification (germline): Uncertain significance (1 of 4 stars; one submission).

Conditions:
Fanconi anemia (FA). Also called: Fanconi's anemia. Identifiers: Orphanet 84, MedGen C0015625, MeSH D005199, MONDO:0019391.

Allele frequency attached by ClinVar (database versions not stated): gnomAD 0.00001.
gnomAD v4.1: 2 of 1,614,070 alleles (0.00012%); highest among the groups gnomAD compares: Non-Finnish European, 0.00017%; no homozygotes.

Submission:

Labcorp Genetics (formerly Invitae), Labcorp
Classification: Uncertain significance for Fanconi anemia. Last evaluated: 2021-03-31. Review status: criteria provided, single submitter. Criteria: Invitae Variant Classification Sherloc (09022015). Collection method: clinical testing. Allele origin: germline.
Comment: This sequence change replaces leucine with isoleucine at codon 390 of the FANCA protein (p.Leu390Ile). The leucine residue is highly conserved and there is a small physicochemical difference between leucine and isoleucine. This variant is not present in population databases (ExAC no frequency). This variant has not been reported in the literature in individuals with FANCA-related conditions. Algorithms developed to predict the effect of missense changes on protein structure and function are either unavailable or do not agree on the potential impact of this missense change (SIFT: "Deleterious"; PolyPhen-2: "Benign"; Align-GVGD: "Class C0"). In summary, the available evidence is currently insufficient to determine the role of this variant in disease. Therefore, it has been classified as a Variant of Uncertain Significance.

NM_000135.4(FANCA):c.1168C>A (p.Leu390Ile)

Gene: FANCA (FA complementation group A; minus strand). Cytogenetic location: 16q24.3.
Variant type: single nucleotide variant.
Coding change: c.1168C>A on transcript NM_000135.4 (MANE Select); coding-DNA position 1168, C replaced by A.
Protein change: p.Leu390Ile; replaces leucine 390 with isoleucine.
Molecular consequence: missense variant.
Genome position (GRCh38, 1-based): chr16:89,791,984, G>T on the plus strand (C>A on the coding strand, the complement: FANCA is on the minus strand). VCF-style: chr16-89791984-G-T. GRCh37 (hg19) VCF-style: chr16-89858392-G-T.
Other names: c.1168C>A, p.Leu390Ile (NM_001286167.3); short protein forms L390I.
Identifiers: ClinVar variation 2145228 (VCV002145228.4), dbSNP rs2040091522, ClinGen allele CA397466160.